The following is an entry in ClinVar:

ClinVar aggregate classification (germline): Uncertain significance (1 of 4 stars; one submission).

Submission:

Labcorp Genetics (formerly Invitae), Labcorp
Classification: Uncertain significance. Last evaluated: 2021-09-10. Review status: criteria provided, single submitter. Criteria: Invitae Variant Classification Sherloc (09022015). Collection method: clinical testing. Allele origin: germline.
Comment: This sequence change replaces valine with isoleucine at codon 351 of the FLVCR1 protein (p.Val351Ile). The valine residue is moderately conserved and there is a small physicochemical difference between valine and isoleucine. This variant is not present in population databases (ExAC no frequency). This variant has not been reported in the literature in individuals with FLVCR1-related conditions. Algorithms developed to predict the effect of missense changes on protein structure and function output the following: SIFT: "Tolerated"; PolyPhen-2: "Benign"; Align-GVGD: "Class C0". The isoleucine amino acid residue is found in multiple mammalian species, suggesting that this missense change does not adversely affect protein function. These predictions have not been confirmed by published functional studies and their clinical significance is uncertain. In summary, the available evidence is currently insufficient to determine the role of this variant in disease. Therefore, it has been classified as a Variant of Uncertain Significance.

NM_014053.4(FLVCR1):c.1051G>A (p.Val351Ile)

Gene: FLVCR1 (FLVCR choline and heme transporter 1; plus strand). Cytogenetic location: 1q32.3.
Variant type: single nucleotide variant.
Coding change: c.1051G>A on transcript NM_014053.4 (MANE Select); coding-DNA position 1051, G replaced by A.
Protein change: p.Val351Ile; replaces valine 351 with isoleucine.
Molecular consequence: missense variant.
Genome position (GRCh38, 1-based): chr1:212,883,397, G>A. VCF-style: chr1-212883397-G-A. GRCh37 (hg19) VCF-style: chr1-213056739-G-A.
Other names: short protein forms V351I.
Identifiers: ClinVar variation 1359159 (VCV001359159.8), dbSNP rs2102563562, ClinGen allele CA344792219.
Genomic context (GRCh38, chr1:212,883,397, plus strand): 5'-CATGACTTAATATCATCTTTATTTATTATTGTAGGTATCATGACTGGTGCCTTTTATTCA[G>A]TCTCAACGTTATTAAATCAAATGATATTGACATATTATGAGGTAAGCTTCTGCTTATATC-3'
Protein context (NP_054772.1, residues 341-361): YGIMTGAFYS[Val351Ile]STLLNQMILT